The following is an entry in ClinVar:

NM_000426.4(LAMA2):c.4105A>G (p.Thr1369Ala)

Gene: LAMA2 (laminin subunit alpha 2; plus strand). Cytogenetic location: 6q22.33.
Variant type: single nucleotide variant.
Coding change: c.4105A>G on transcript NM_000426.4 (MANE Select); coding-DNA position 4105, A replaced by G.
Protein change: p.Thr1369Ala; replaces threonine 1369 with alanine.
Molecular consequence: missense variant.
Genome position (GRCh38, 1-based): chr6:129,320,584, A>G. VCF-style: chr6-129320584-A-G. GRCh37 (hg19) VCF-style: chr6-129641729-A-G.
Other names: c.4105A>G, p.Thr1369Ala (NM_001079823.2); short protein forms T1369A.
Identifiers: ClinVar variation 2165903 (VCV002165903.1), dbSNP rs1281806034, ClinGen allele CA365612635.

ClinVar aggregate classification (germline): Uncertain significance (1 of 4 stars; one submission).

Conditions:
LAMA2-related muscular dystrophy (LAMA2-RD). Also called: Laminin alpha 2-related dystrophy. Identifiers: MedGen C5679788, MONDO:0100228.

Allele frequency attached by ClinVar (database versions not stated): gnomAD exomes below 0.00001; TOPMed below 0.00001.
gnomAD v4.1: 5 of 1,613,752 alleles (0.00031%); highest among the groups gnomAD compares: Non-Finnish European, 0.00042%; no homozygotes.

Submission:

Labcorp Genetics (formerly Invitae), Labcorp
Classification: Uncertain significance for LAMA2-related muscular dystrophy. Last evaluated: 2021-08-26. Review status: criteria provided, single submitter. Criteria: Invitae Variant Classification Sherloc (09022015). Collection method: clinical testing. Allele origin: germline.
Comment: This sequence change replaces threonine with alanine at codon 1369 of the LAMA2 protein (p.Thr1369Ala). The threonine residue is weakly conserved and there is a small physicochemical difference between threonine and alanine. This variant is not present in population databases (ExAC no frequency). This variant has not been reported in the literature in individuals affected with LAMA2-related conditions. Algorithms developed to predict the effect of missense changes on protein structure and function output the following: SIFT: "Tolerated"; PolyPhen-2: "Benign"; Align-GVGD: "Class C0". The alanine amino acid residue is found in multiple mammalian species, which suggests that this missense change does not adversely affect protein function. In summary, the available evidence is currently insufficient to determine the role of this variant in disease. Therefore, it has been classified as a Variant of Uncertain Significance.